The following is an entry in ClinVar:

ClinVar aggregate classification (germline): Uncertain significance (1 of 4 stars; one submission).

Allele frequency attached by ClinVar (database versions not stated): gnomAD exomes below 0.00001; ExAC 0.00001; gnomAD 0.00005; TOPMed 0.00007.
gnomAD v4.1: 11 of 1,601,056 alleles (0.00069%); highest among the groups gnomAD compares: African/African-American, 0.015%; no homozygotes.

Submission:

GeneDx
Classification: Uncertain significance. Last evaluated: 2022-05-20. Review status: criteria provided, single submitter. Criteria: GeneDx Variant Classification Process June 2021. Collection method: clinical testing. Allele origin: germline. Affected: yes.
Comment: Has not been previously published as pathogenic or benign to our knowledge; In-silico analysis is inconclusive as to whether the variant alters gene splicing. In the absence of RNA/functional studies, the actual effect of this sequence change is unknown.

NM_016648.4(LARP7):c.646+6T>C

Genes: LARP7 (La ribonucleoprotein 7, transcriptional regulator; plus strand), MIR302CHG (miR-302/367 cluster host gene; minus strand). Cytogenetic location: 4q25.
Variant type: single nucleotide variant.
Coding change: c.646+6T>C on transcript NM_016648.4 (MANE Select); 6 bases into the intron after coding-DNA position 646, T replaced by C.
Molecular consequence: intron variant.
Genome position (GRCh38, 1-based): chr4:112,647,133, T>C. VCF-style: chr4-112647133-T-C. GRCh37 (hg19) VCF-style: chr4-113568289-T-C.
Other names: c.646+6T>C (NM_001267039.4, NM_001370974.1, NM_001370976.1 and 6 more transcripts); c.409+6T>C (NM_001370982.1, NM_001370981.1).
Identifiers: ClinVar variation 1800744 (VCV001800744.1), dbSNP rs758732469, ClinGen allele CA3049184.